The following is an entry in ClinVar:

ClinVar aggregate classification (germline): Uncertain significance. Review status: criteria provided, multiple submitters, no conflicts (2 of 4 stars). 4 submissions from 4 submitters: Uncertain significance (4). Last evaluated 2025-05-01.

Conditions:
Dyskeratosis congenita, autosomal recessive 5 (DKCB5). Identifiers: MedGen C3554656, MONDO:0014076, OMIM 615190.
Pulmonary fibrosis and/or bone marrow failure, Telomere-related, 3. Also called: PULMONARY FIBROSIS AND/OR BONE MARROW FAILURE SYNDROME, TELOMERE-RELATED, 3. Identifiers: Orphanet 2032, MedGen C4225346, MONDO:0014613, OMIM 616373.
Inborn genetic diseases. Identifiers: MedGen C0950123, MeSH D030342.

Allele frequency attached by ClinVar (database versions not stated): gnomAD 0.00001; TOPMed 0.00001; ExAC 0.00002.
gnomAD v4.1: 8 of 1,610,394 alleles (0.0005%); highest among the groups gnomAD compares: East Asian, 0.0045%; no homozygotes.

Submissions (4):

CeGaT Center for Human Genetics Tuebingen
Classification: Uncertain significance. Last evaluated: 2025-05-01. Review status: criteria provided, single submitter. Criteria: CeGaT Center For Human Genetics Tuebingen Variant Classification Criteria Version 2. Collection method: clinical testing. Allele origin: germline. Affected: yes. Observed: 1 variant allele.
Comment: RTEL1: PM2

Labcorp Genetics (formerly Invitae), Labcorp
Classification: Uncertain significance for Dyskeratosis congenita, autosomal recessive 5; Pulmonary fibrosis and/or bone marrow failure, Telomere-related, 3. Last evaluated: 2025-04-26. Review status: criteria provided, single submitter. Criteria: Invitae Variant Classification Sherloc (09022015). Collection method: clinical testing. Allele origin: germline.
Comment: This sequence change replaces glycine, which is neutral and non-polar, with serine, which is neutral and polar, at codon 616 of the RTEL1 protein (p.Gly616Ser). This variant is present in population databases (rs768926890, gnomAD 0.006%). This variant has not been reported in the literature in individuals affected with RTEL1-related conditions. ClinVar contains an entry for this variant (Variation ID: 2929342). An algorithm developed to predict the effect of missense changes on protein structure and function (PolyPhen-2) suggests that this variant is likely to be disruptive. In summary, the available evidence is currently insufficient to determine the role of this variant in disease. Therefore, it has been classified as a Variant of Uncertain Significance.

Ambry Genetics
Classification: Uncertain significance for Inborn genetic diseases. Last evaluated: 2024-11-30. Review status: criteria provided, single submitter. Criteria: Ambry Variant Classification Scheme 2023. Collection method: clinical testing. Allele origin: germline.
Comment: The p.G616S variant (also known as c.1846G>A), located in coding exon 21 of the RTEL1 gene, results from a G to A substitution at nucleotide position 1846. The glycine at codon 616 is replaced by serine, an amino acid with similar properties. This amino acid position is conserved. In addition, this alteration is predicted to be deleterious by in silico analysis. Based on the available evidence, the clinical significance of this variant remains unclear.

Blueprint Genetics
Classification: Uncertain significance. Last evaluated: 2024-05-10. Review status: criteria provided, single submitter. Criteria: ACMG Guidelines, 2015. Collection method: clinical testing. Allele origin: germline.

NM_001283009.2(RTEL1):c.1846G>A (p.Gly616Ser)

Genes: RTEL1 (regulator of telomere elongation helicase 1; plus strand), RTEL1-TNFRSF6B (RTEL1-TNFRSF6B readthrough (NMD candidate); plus strand). Cytogenetic location: 20q13.33.
Variant type: single nucleotide variant.
Coding change: c.1846G>A on transcript NM_001283009.2 (MANE Select); coding-DNA position 1846, G replaced by A.
Protein change: p.Gly616Ser; replaces glycine 616 with serine.
Molecular consequence: missense variant. On other transcripts: non-coding transcript variant (1).
Genome position (GRCh38, 1-based): chr20:63,689,100, G>A. VCF-style: chr20-63689100-G-A. GRCh37 (hg19) VCF-style: chr20-62320453-G-A.
Other names: c.1177G>A, p.Gly393Ser (NM_001283010.1); c.1846G>A, p.Gly616Ser (NM_016434.4); c.1918G>A, p.Gly640Ser (NM_032957.5); short protein forms G640S, G616S, G393S.
Identifiers: ClinVar variation 2929342 (VCV002929342.15), dbSNP rs768926890, ClinGen allele CA9965036.